The following is an entry in ClinVar:

ClinVar aggregate classification (germline): Likely benign. Review status: criteria provided, multiple submitters, no conflicts (2 of 4 stars). 5 submissions from 5 submitters: Likely benign (3). 2 of the submissions do not count toward it. Last evaluated 2024-11-11.

Conditions:
Hereditary cancer-predisposing syndrome. Also called: Neoplastic Syndromes, Hereditary; Hereditary Cancer Syndrome; Hereditary neoplastic syndrome; Tumor predisposition. Identifiers: Orphanet 140162, MedGen C0027672, MeSH D009386, MONDO:0015356.

Allele frequency attached by ClinVar (database versions not stated): TOPMed 0.00004; gnomAD 0.00001; gnomAD exomes 0.00002.
gnomAD v4.1: 22 of 1,372,236 alleles (0.0016%); highest among the groups gnomAD compares: East Asian, 0.0071%; no homozygotes.

Submissions (5):

Blueprint Genetics
Classification: Likely benign. Last evaluated: 2024-11-11. Review status: criteria provided, single submitter. Criteria: ACMG Guidelines, 2015. Collection method: clinical testing. Allele origin: germline.

CeGaT Center for Human Genetics Tuebingen
Classification: Likely benign. Last evaluated: 2024-07-01. Review status: criteria provided, single submitter. Criteria: CeGaT Center For Human Genetics Tuebingen Variant Classification Criteria Version 2. Collection method: clinical testing. Allele origin: germline. Affected: yes. Observed: 1 variant allele.
Comment: MITF: BP4, BP7

Sema4
Classification: Likely benign for Hereditary cancer-predisposing syndrome. Last evaluated: 2020-10-15. Review status: criteria provided, single submitter. Criteria: Sema4 Curation Guidelines. Collection method: curation. Allele origin: germline.

Clinical Genetics DNA and cytogenetics Diagnostics Lab, Erasmus MC, Erasmus Medical Center
Classification: Likely benign. Review status: no assertion criteria provided. Collection method: clinical testing. Allele origin: germline. Affected: yes. Study: VKGL Data-share Consensus. Not counted in ClinVar's aggregate classification.

Clinical Genetics, Academic Medical Center
Classification: Benign. Review status: no assertion criteria provided. Collection method: clinical testing. Allele origin: germline. Affected: yes. Study: VKGL Data-share Consensus. Not counted in ClinVar's aggregate classification.

NM_001354604.2(MITF):c.104+24216T>C

Gene: MITF (melanocyte inducing transcription factor; plus strand). Cytogenetic location: 3p13.
Variant type: single nucleotide variant.
Coding change: c.104+24216T>C on transcript NM_001354604.2 (MANE Select); 24216 bases into the intron after coding-DNA position 104, T replaced by C.
Molecular consequence: intron variant. On other transcripts: synonymous variant (1).
Genome position (GRCh38, 1-based): chr3:69,763,917, T>C. VCF-style: chr3-69763917-T-C. GRCh37 (hg19) VCF-style: chr3-69813068-T-C.
Other names: c.76T>C, p.Leu26= (NM_006722.3); c.-77+24216T>C (NM_001354607.2); c.-92+24216T>C (NM_001354608.2); c.104+24216T>C (NM_198159.3, NM_001354605.2, NM_001354606.2); c.-53+225T>C (NM_001184967.2).
Identifiers: ClinVar variation 1284441 (VCV001284441.22), dbSNP rs781087974, ClinGen allele CA2490187.